The following is an entry in ClinVar:

NM_005045.4(RELN):c.2002+1G>A

Gene: RELN (reelin; minus strand). Cytogenetic location: 7q22.1.
Variant type: single nucleotide variant.
Coding change: c.2002+1G>A on transcript NM_005045.4 (MANE Select); the canonical splice donor site of the intron after coding-DNA position 2002, G replaced by A.
Molecular consequence: splice donor variant.
Genome position (GRCh38, 1-based): chr7:103,650,273, C>T on the plus strand (G>A on the coding strand, the complement: RELN is on the minus strand). VCF-style: chr7-103650273-C-T. GRCh37 (hg19) VCF-style: chr7-103290720-C-T.
Other names: c.2002+1G>A (NM_173054.3).
Identifiers: ClinVar variation 2939764 (VCV002939764.3), dbSNP rs2484833539, ClinGen allele CA368763956.

ClinVar aggregate classification (germline): Likely pathogenic (1 of 4 stars; one submission).

Conditions:
Norman-Roberts syndrome (LIS2). Also called: Lissencephaly 2 (Norman-Roberts type). Identifiers: Orphanet 89844, MedGen C0796089, MONDO:0009760, OMIM 257320.
Familial temporal lobe epilepsy 7. Identifiers: Orphanet 101046, MedGen C4225327, MONDO:0014639, OMIM 616436.

Submission:

Labcorp Genetics (formerly Invitae), Labcorp
Classification: Likely pathogenic for Familial temporal lobe epilepsy 7; Norman-Roberts syndrome. Last evaluated: 2024-06-03. Review status: criteria provided, single submitter. Criteria: Invitae Variant Classification Sherloc (09022015). Collection method: clinical testing. Allele origin: germline.
Comment: This sequence change affects a donor splice site in intron 16 of the RELN gene. It is expected to disrupt RNA splicing. Variants that disrupt the donor or acceptor splice site typically lead to a loss of protein function (PMID: 16199547), and loss-of-function variants in RELN are known to be pathogenic (PMID: 10973257, 26046367, 28454995). This variant is not present in population databases (gnomAD no frequency). This variant has not been reported in the literature in individuals affected with RELN-related conditions. Algorithms developed to predict the effect of sequence changes on RNA splicing suggest that this variant may disrupt the consensus splice site. In summary, the currently available evidence indicates that the variant is pathogenic, but additional data are needed to prove that conclusively. Therefore, this variant has been classified as Likely Pathogenic.

Literature cited by the submitters: PubMed 16199547; PubMed 10973257; PubMed 26046367; PubMed 28454995.